The following is an entry in ClinVar:

ClinVar aggregate classification (germline): Uncertain significance (1 of 4 stars; one submission).

Conditions:
Alstrom syndrome (ALMS). Identifiers: Orphanet 64, MedGen C0268425, MONDO:0008763, OMIM 203800.

Submission:

Labcorp Genetics (formerly Invitae), Labcorp
Classification: Uncertain significance for Alstrom syndrome. Last evaluated: 2022-07-30. Review status: criteria provided, single submitter. Criteria: Invitae Variant Classification Sherloc (09022015). Collection method: clinical testing. Allele origin: germline.
Comment: In summary, the available evidence is currently insufficient to determine the role of this variant in disease. Therefore, it has been classified as a Variant of Uncertain Significance. Experimental studies and prediction algorithms are not available or were not evaluated, and the functional significance of this variant is currently unknown. This variant has not been reported in the literature in individuals affected with ALMS1-related conditions. This variant results in a copy number gain of the genomic region encompassing exon(s) 1-11 of the ALMS1 gene. This region includes the initiator codon of the gene. This copy number gain extends beyond the assayed region for this gene and therefore may encompass additional genes. As the precise location of this event is unknown, it may be in tandem or it may be located elsewhere in the genome.

NC_000002.11:g.(?_73612997)_(73747163_?)dup

Gene: ALMS1 (ALMS1 centrosome and basal body associated protein; plus strand). Cytogenetic location: 2p13.1.
Variant type: Duplication.
Identifiers: ClinVar variation 2426075 (VCV002426075.4).